The following is an entry in ClinVar:

ClinVar aggregate classification (germline): Likely benign. Review status: criteria provided, multiple submitters, no conflicts (2 of 4 stars). 6 submissions from 6 submitters: Likely benign (5). 1 of the submissions does not count toward it. Last evaluated 2026-05-01.

Conditions:
NSD1-related disorder. Also called: NSD1-related condition.
Sotos syndrome (SOTOS). Also called: SOTOS SYNDROME 1; CEREBRAL GIGANTISM; Sotos' syndrome; Distinctive facial appearance, overgrowth in childhood, and learning disabilities or delayed development; CHROMOSOME 5q35 DELETION SYNDROME. Identifiers: Orphanet 821, MedGen C0175695, MONDO:0019349, OMIM 117550.
Inborn genetic diseases. Identifiers: MedGen C0950123, MeSH D030342.

Allele frequency attached by ClinVar (database versions not stated): ExAC 0.00006; gnomAD exomes 0.00007 and 0.00019; gnomAD 0.00009 and 0.00011; TOPMed 0.00011; ESP Exome Variant Server 0.00023.
gnomAD v4.1: 305 of 1,613,668 alleles (0.019%); highest among the groups gnomAD compares: Non-Finnish European, 0.024%; no homozygotes.

Submissions (6):

CeGaT Center for Human Genetics Tuebingen
Classification: Likely benign. Last evaluated: 2026-05-01. Review status: criteria provided, single submitter. Criteria: CeGaT Center For Human Genetics Tuebingen Variant Classification Criteria Version 2. Collection method: clinical testing. Allele origin: germline. Affected: yes. Observed: 2 variant alleles.
Comment: NSD1: BP4, BP7

Labcorp Genetics (formerly Invitae), Labcorp
Classification: Likely benign. Last evaluated: 2025-06-26. Review status: criteria provided, single submitter. Criteria: Invitae Variant Classification Sherloc (09022015). Collection method: clinical testing. Allele origin: germline.

Blueprint Genetics
Classification: Likely benign. Last evaluated: 2024-06-26. Review status: criteria provided, single submitter. Criteria: ACMG Guidelines, 2015. Collection method: clinical testing. Allele origin: germline.

Fulgent Genetics
Classification: Likely benign for Sotos syndrome. Last evaluated: 2022-02-03. Review status: criteria provided, single submitter. Criteria: ACMG Guidelines, 2015. Collection method: clinical testing. Allele origin: unknown.

Ambry Genetics
Classification: Likely benign for Inborn genetic diseases. Last evaluated: 2020-07-19. Review status: criteria provided, single submitter. Criteria: Ambry Variant Classification Scheme 2023. Collection method: clinical testing. Allele origin: germline.

PreventionGenetics, part of Exact Sciences
Classification: Likely benign for NSD1-related condition. Last evaluated: 2022-12-28. Review status: no assertion criteria provided. Collection method: clinical testing. Allele origin: germline. Not counted in ClinVar's aggregate classification.
Comment: This variant is classified as likely benign based on ACMG/AMP sequence variant interpretation guidelines (Richards et al. 2015 PMID: 25741868, with internal and published modifications).

NM_022455.5(NSD1):c.6795C>T (p.Ser2265=)

Gene: NSD1 (nuclear receptor binding SET domain protein 1; plus strand). Cytogenetic location: 5q35.3.
Variant type: single nucleotide variant.
Coding change: c.6795C>T on transcript NM_022455.5 (MANE Select); coding-DNA position 6795, C replaced by T.
Protein change: p.Ser2265=; no amino-acid change (serine 2265 retained).
Molecular consequence: synonymous variant.
Genome position (GRCh38, 1-based): chr5:177,294,163, C>T. VCF-style: chr5-177294163-C-T. GRCh37 (hg19) VCF-style: chr5-176721164-C-T.
Other names: c.5922C>T, p.Ser1974= (NM_001365684.2, NM_001409308.1, NM_172349.5); c.6795C>T, p.Ser2265= (NM_001409301.1, NM_001409302.1, NM_001409303.1); c.6375C>T, p.Ser2125= (NM_001409304.1); c.6042C>T, p.Ser2014= (NM_001409305.1); c.6033C>T, p.Ser2011= (NM_001409306.1, NM_001409307.1); c.5673C>T, p.Ser1891= (NM_001409309.1).
Identifiers: ClinVar variation 1114744 (VCV001114744.22), dbSNP rs148585227, ClinGen allele CA3578044.